The following is an entry in ClinVar:

NM_001130144.3(LTBP3):c.1419G>A (p.Gln473=)

Gene: LTBP3 (latent transforming growth factor beta binding protein 3; minus strand). Cytogenetic location: 11q13.1.
Variant type: single nucleotide variant.
Coding change: c.1419G>A on transcript NM_001130144.3 (MANE Select); coding-DNA position 1419, G replaced by A.
Protein change: p.Gln473=; no amino-acid change (glutamine 473 retained).
Molecular consequence: synonymous variant.
Genome position (GRCh38, 1-based): chr11:65,552,084, C>T on the plus strand (G>A on the coding strand, the complement: LTBP3 is on the minus strand). VCF-style: chr11-65552084-C-T. GRCh37 (hg19) VCF-style: chr11-65319555-C-T.
Other names: c.1068G>A, p.Gln356= (NM_001164266.1); c.1419G>A, p.Gln473= (NM_021070.4).
Identifiers: ClinVar variation 2984909 (VCV002984909.3), dbSNP rs2496169193, ClinGen allele CA475033132.
Genomic context (GRCh38, chr11:65,552,084, plus strand): 5'-AAGCTGCTGGGGCTTGGGTGGCCCGTCAGGGTGCAGGAAAAGGGAAAAGTCACTCTCGCC[C>T]TGAATGGTGAGCGTCTGGTGGGAGGTGAGAATGTGGTATCCCTTCCCAGCTGGGCAGATC-3'
Protein context (NP_001123616.1, residues 463-483): ILTSHQTLTI[Gln473=]GESDFSLFLH

ClinVar aggregate classification (germline): Uncertain significance (1 of 4 stars; one submission).

Conditions:
Brachyolmia-amelogenesis imperfecta syndrome. Also called: PLATYSPONDYLY WITH AMELOGENESIS IMPERFECTA; Tooth agenesis, selective, 6; Dental anomalies and short stature. Identifiers: Orphanet 2899, MedGen C1832594, MONDO:0011018, OMIM 601216. Disease mechanism: loss of function.

Allele frequency attached by ClinVar (database versions not stated): gnomAD exomes below 0.00001.
gnomAD v4.1: 3 of 1,614,178 alleles (0.00019%); highest among the groups gnomAD compares: Non-Finnish European, 0.00025%; no homozygotes.

Submission:

Labcorp Genetics (formerly Invitae), Labcorp
Classification: Uncertain significance for Brachyolmia-amelogenesis imperfecta syndrome. Last evaluated: 2025-06-24. Review status: criteria provided, single submitter. Criteria: Invitae Variant Classification Sherloc (09022015). Collection method: clinical testing. Allele origin: germline.
Comment: This sequence change affects codon 473 of the LTBP3 mRNA. It is a 'silent' change, meaning that it does not change the encoded amino acid sequence of the LTBP3 protein. This variant is not present in population databases (gnomAD no frequency). This variant has not been reported in the literature in individuals affected with LTBP3-related conditions. ClinVar contains an entry for this variant (Variation ID: 2984909). Algorithms developed to predict the effect of sequence changes on RNA splicing suggest that this variant may create or strengthen a splice site. In summary, the available evidence is currently insufficient to determine the role of this variant in disease. Therefore, it has been classified as a Variant of Uncertain Significance.